The following is an entry in ClinVar:

ClinVar aggregate classification (germline): Benign (1 of 4 stars; one submission).

Conditions:
Hennekam lymphangiectasia-lymphedema syndrome 1 (HKLLS1). Also called: LYMPHATIC DYSPLASIA, GENERALIZED. Identifiers: Orphanet 2136, MedGen C4012050, MONDO:0009337, OMIM 235510.

Allele frequency attached by ClinVar (database versions not stated): gnomAD 0.00814 and 0.01034; TOPMed 0.01504; 1000 Genomes Project 30x 0.03310; 1000 Genomes Project 0.03534.

Submission:

Illumina Laboratory Services, Illumina
Classification: Benign for Hennekam lymphangiectasia-lymphedema syndrome 1. Last evaluated: 2018-01-13. Review status: criteria provided, single submitter. Criteria: ICSL Variant Classification Criteria 13 December 2019. Collection method: clinical testing. Allele origin: germline.
Comment: This variant was observed in the ICSL laboratory as part of a predisposition screen in an ostensibly healthy population. It had not been previously curated by ICSL or reported in the Human Gene Mutation Database (HGMD: prior to June 1st, 2018), and was therefore a candidate for classification through an automated scoring system. Utilizing variant allele frequency, disease prevalence and penetrance estimates, and inheritance mode, an automated score was calculated to assess if this variant is too frequent to cause the disease. Based on the score and internal cut-off values, a variant classified as benign is not then subjected to further curation. The score for this variant resulted in a classification of benign for this disease.

NM_133459.4(CCBE1):c.*2978T>A

Gene: CCBE1 (collagen and calcium binding EGF domains 1; minus strand). Cytogenetic location: 18q21.32.
Variant type: single nucleotide variant.
Coding change: c.*2978T>A on transcript NM_133459.4 (MANE Select); 2978 bases downstream of the stop codon, T replaced by A.
Molecular consequence: 3 prime UTR variant.
Genome position (GRCh38, 1-based): chr18:59,432,930, A>T on the plus strand (T>A on the coding strand, the complement: CCBE1 is on the minus strand). VCF-style: chr18-59432930-A-T. GRCh37 (hg19) VCF-style: chr18-57100162-A-T.
Other names: c.*2978T>A (LRG_1209t1).
Identifiers: ClinVar variation 327619 (VCV000327619.5), dbSNP rs117999156, ClinGen allele CA10647997.